The following is an entry in ClinVar:

NM_007227.3(GPR45):c.458C>T (p.Ala153Val)

Gene: GPR45 (G protein-coupled receptor 45; plus strand). Cytogenetic location: 2q12.1.
Variant type: single nucleotide variant.
Coding change: c.458C>T on transcript NM_007227.3 (MANE Select); coding-DNA position 458, C replaced by T.
Protein change: p.Ala153Val; replaces alanine 153 with valine.
Molecular consequence: missense variant.
Genome position (GRCh38, 1-based): chr2:105,242,316, C>T. VCF-style: chr2-105242316-C-T. GRCh37 (hg19) VCF-style: chr2-105858773-C-T.
Other names: short protein forms A153V.
Identifiers: ClinVar variation 1511975 (VCV001511975.7), dbSNP rs138940615, ClinGen allele CA1813584.

ClinVar aggregate classification (germline): Uncertain significance. Review status: criteria provided, multiple submitters, no conflicts (2 of 4 stars). 2 submissions from 2 submitters: Uncertain significance (2). Last evaluated 2025-11-05.

Allele frequency attached by ClinVar (database versions not stated): gnomAD exomes 0.00001 and 0.00004; ExAC 0.00005; gnomAD 0.00019 and 0.00021; TOPMed 0.00036; 1000 Genomes Project 0.00060; 1000 Genomes Project 30x 0.00078.

Submissions (2):

Labcorp Genetics (formerly Invitae), Labcorp
Classification: Uncertain significance. Last evaluated: 2025-11-05. Review status: criteria provided, single submitter. Criteria: Invitae Variant Classification Sherloc (09022015). Collection method: clinical testing. Allele origin: germline.
Comment: This sequence change replaces alanine, which is neutral and non-polar, with valine, which is neutral and non-polar, at codon 153 of the GPR45 protein (p.Ala153Val). This variant is present in population databases (rs138940615, gnomAD 0.02%). This variant has not been reported in the literature in individuals affected with GPR45-related conditions. ClinVar contains an entry for this variant (Variation ID: 1511975). An algorithm developed to predict the effect of missense changes on protein structure and function (PolyPhen-2) suggests that this variant is likely to be tolerated. In summary, the available evidence is currently insufficient to determine the role of this variant in disease. Therefore, it has been classified as a Variant of Uncertain Significance.

Ambry Genetics
Classification: Uncertain significance. Last evaluated: 2025-08-05. Review status: criteria provided, single submitter. Criteria: Ambry Variant Classification Scheme 2023. Collection method: clinical testing. Allele origin: germline.